The following is an entry in ClinVar:

NM_001277115.2(DNAH11):c.9695T>G (p.Val3232Gly)

Gene: DNAH11 (dynein axonemal heavy chain 11; plus strand). Cytogenetic location: 7p15.3.
Variant type: single nucleotide variant.
Coding change: c.9695T>G on transcript NM_001277115.2 (MANE Select); coding-DNA position 9695, T replaced by G.
Protein change: p.Val3232Gly; replaces valine 3232 with glycine.
Molecular consequence: missense variant.
Genome position (GRCh38, 1-based): chr7:21,786,721, T>G. VCF-style: chr7-21786721-T-G. GRCh37 (hg19) VCF-style: chr7-21826339-T-G.
Other names: short protein forms V3232G.
Identifiers: ClinVar variation 4854121 (VCV004854121.1).

ClinVar aggregate classification (germline): Uncertain significance (1 of 4 stars; one submission).

Conditions:
Primary ciliary dyskinesia 7. Also called: CILIARY DYSKINESIA, PRIMARY, 7, WITH OR WITHOUT SITUS INVERSUS. Identifiers: Orphanet 244, MedGen C2678473, MONDO:0012748, OMIM 611884.

gnomAD v4.1: 41 of 1,613,492 alleles (0.0025%); highest among the groups gnomAD compares: Admixed American, 0.0017%; no homozygotes.

Submission:

3billion
Classification: Uncertain significance for Primary ciliary dyskinesia 7. Last evaluated: 2025-07-16. Review status: criteria provided, single submitter. Criteria: ACMG Guidelines, 2015. Collection method: clinical testing. Allele origin: germline. Affected: yes.
Comment: The variant is observed at an extremely low frequency in the gnomAD v4.1.0 dataset (total allele frequency: 0.003%). Predicted Consequence/Location: Missense variant. The majority of the known disease-causing variants of this gene are variants expected to result in premature termination of the protein. Damaging effect on gene or gene product predicted by in silico programs is uncertain [REVEL: 0.49 (damaging >=0.6, benign <0.4), 3Cnet: 0.11 (damaging >0.75, benign <0.1)]. Therefore, this variant is classified as VUS according to the recommendation of ACMG/AMP guideline.